The following is an entry in ClinVar:

NM_199355.4(ADAMTS18):c.589dup (p.His197fs)

Gene: ADAMTS18 (ADAM metallopeptidase with thrombospondin type 1 motif 18; minus strand). Cytogenetic location: 16q23.1.
Variant type: Duplication.
Coding change: c.589dup on transcript NM_199355.4 (MANE Select); coding-DNA position 589, one base duplicated (C; older notation c.589dupC).
Protein change: p.His197fs; shifts the reading frame from histidine 197.
Molecular consequence: frameshift variant.
Genome position (GRCh38, 1-based): chr16:77,367,630, G duplicated on the plus strand (C on the coding strand, the reverse complement: ADAMTS18 is on the minus strand). VCF-style (leftmost placement, unchanged base first): chr16-77367629-T-TG. GRCh37 (hg19) VCF-style: chr16-77401526-T-TG.
Other names: c.69dup, p.Thr24fs (NM_001326358.2); short protein forms H197fs, T24fs.
Identifiers: ClinVar variation 1076416 (VCV001076416.7), dbSNP rs2144744755, ClinGen allele CA2499223700.

ClinVar aggregate classification (germline): Pathogenic (1 of 4 stars; one submission).

Submission:

Labcorp Genetics (formerly Invitae), Labcorp
Classification: Pathogenic. Last evaluated: 2023-04-09. Review status: criteria provided, single submitter. Criteria: Invitae Variant Classification Sherloc (09022015). Collection method: clinical testing. Allele origin: germline.
Comment: For these reasons, this variant has been classified as Pathogenic. ClinVar contains an entry for this variant (Variation ID: 1076416). This variant has not been reported in the literature in individuals affected with ADAMTS18-related conditions. This variant is not present in population databases (gnomAD no frequency). This sequence change creates a premature translational stop signal (p.His197Profs*78) in the ADAMTS18 gene. It is expected to result in an absent or disrupted protein product. Loss-of-function variants in ADAMTS18 are known to be pathogenic (PMID: 23818446, 24874986).

Literature cited by the submitters: PubMed 23818446; PubMed 24874986.